The following is an entry in ClinVar:

ClinVar aggregate classification (germline): Benign/Likely benign. Review status: criteria provided, multiple submitters, no conflicts (2 of 4 stars). 4 submissions from 4 submitters: Benign (2); Likely benign (1). 1 of the submissions does not count toward it. Last evaluated 2023-05-19.

Conditions:
OGDHL-related disorder. Also called: OGDHL-related condition.

Allele frequency attached by ClinVar (database versions not stated): gnomAD exomes 0.00009 and 0.00023; ExAC 0.00026; gnomAD 0.00080 and 0.00086; 1000 Genomes Project 30x 0.00094; TOPMed 0.00107; ESP Exome Variant Server 0.00115; 1000 Genomes Project 0.00120.
gnomAD v4.1: 259 of 1,614,052 alleles (0.016%); highest among the groups gnomAD compares: African/African-American, 0.31%; 1 homozygote.

Submissions (4):

Blueprint Genetics
Classification: Likely benign. Last evaluated: 2023-05-19. Review status: criteria provided, single submitter. Criteria: ACMG Guidelines, 2015. Collection method: clinical testing. Allele origin: germline.

Labcorp Genetics (formerly Invitae), Labcorp
Classification: Benign. Last evaluated: 2018-08-01. Review status: criteria provided, single submitter. Criteria: Invitae Variant Classification Sherloc (09022015). Collection method: clinical testing. Allele origin: germline.

Breakthrough Genomics
Classification: Benign. Review status: criteria provided, single submitter. Criteria: ACMG Guidelines, 2015. Collection method: not provided. Allele origin: germline. Inheritance: Autosomal recessive inheritance. Affected: yes.

PreventionGenetics, part of Exact Sciences
Classification: Likely benign for OGDHL-related condition. Last evaluated: 2019-07-01. Review status: no assertion criteria provided. Collection method: clinical testing. Allele origin: germline. Not counted in ClinVar's aggregate classification.
Comment: This variant is classified as likely benign based on ACMG/AMP sequence variant interpretation guidelines (Richards et al. 2015 PMID: 25741868, with internal and published modifications).

NM_018245.3(OGDHL):c.1224T>C (p.Tyr408=)

Gene: OGDHL (oxoglutarate dehydrogenase L; minus strand). Cytogenetic location: 10q11.23.
Variant type: single nucleotide variant.
Coding change: c.1224T>C on transcript NM_018245.3 (MANE Select); coding-DNA position 1224, T replaced by C.
Protein change: p.Tyr408=; no amino-acid change (tyrosine 408 retained).
Molecular consequence: synonymous variant. On other transcripts: non-coding transcript variant (5).
Genome position (GRCh38, 1-based): chr10:49,746,822, A>G on the plus strand (T>C on the coding strand, the complement: OGDHL is on the minus strand). VCF-style: chr10-49746822-A-G. GRCh37 (hg19) VCF-style: chr10-50954868-A-G.
Other names: c.1053T>C, p.Tyr351= (NM_001143996.2, NM_001347820.1); c.597T>C, p.Tyr199= (NM_001143997.2, NM_001347821.2, NM_001347822.1 and 1 more transcripts); c.1224T>C, p.Tyr408= (NM_001347819.1, NM_001347823.1, NM_001347824.2); c.207T>C, p.Tyr69= (NM_001347826.1); c.1224T>C (NM_018245.2).
Identifiers: ClinVar variation 738260 (VCV000738260.7), dbSNP rs146129534, ClinGen allele CA5498645.
Genomic context (GRCh38, chr10:49,746,822, plus strand): 5'-GACGACGTGCACGGTACCATTGGTCGTGTAGGAGGGCAGGTCGCTCAGGTGGAAGGTCTC[A>G]TATACCACGCCCTGGCCAGCAAAGGCGGCGTCCCCATGAACCAGGATGGACATGACCTGC-3'
Protein context (NP_060715.2, residues 398-418): DAAFAGQGVV[Tyr408=]ETFHLSDLPS